The following is an entry in ClinVar:

ClinVar aggregate classification (germline): Pathogenic/Likely pathogenic. Review status: criteria provided, multiple submitters, no conflicts (2 of 4 stars). 2 submissions from 2 submitters: Pathogenic (1); Likely pathogenic (1). Last evaluated 2022-07-06.

Conditions:
Mowat-Wilson syndrome (MOWS). Also called: Classic Mowat-Wilson Syndrome. Identifiers: Orphanet 2152, MedGen C1856113, MONDO:0009341, OMIM 235730.

Submissions (2):

Institute of Human Genetics, University of Leipzig Medical Center
Classification: Likely pathogenic for Mowat-Wilson syndrome. Last evaluated: 2022-07-06. Review status: criteria provided, single submitter. Criteria: ACMG Guidelines, 2015. Collection method: clinical testing. Allele origin: unknown. Affected: yes.
Comment: _x000D_ Criteria applied: PVS1_STR, PS4_SUP, PM2_SUP

Laboratory of Molecular Genetics (Pr. Bezieau's lab), CHU de Nantes
Classification: Pathogenic. Last evaluated: 2019-10-15. Review status: criteria provided, single submitter. Criteria: ACMG Guidelines, 2015. Collection method: clinical testing. Allele origin: germline. Affected: yes.

NM_014795.4(ZEB2):c.3214C>T (p.Gln1072Ter)

Gene: ZEB2 (zinc finger E-box binding homeobox 2; minus strand). Cytogenetic location: 2q22.3.
Variant type: single nucleotide variant.
Coding change: c.3214C>T on transcript NM_014795.4 (MANE Select); coding-DNA position 3214, C replaced by T.
Protein change: p.Gln1072Ter; replaces glutamine 1072 with a stop codon.
Molecular consequence: nonsense.
Genome position (GRCh38, 1-based): chr2:144,389,882, G>A on the plus strand (C>T on the coding strand, the complement: ZEB2 is on the minus strand). VCF-style: chr2-144389882-G-A. GRCh37 (hg19) VCF-style: chr2-145147449-G-A.
Other names: c.3142C>T, p.Gln1048Ter (NM_001171653.2); short protein forms Q1048*, Q1072*.
Identifiers: ClinVar variation 916107 (VCV000916107.2), dbSNP rs1703133912, ClinGen allele CA348700267.